The following is an entry in ClinVar:

ClinVar aggregate classification (germline): Uncertain significance. Review status: criteria provided, multiple submitters, no conflicts (2 of 4 stars). 2 submissions from 2 submitters: Uncertain significance (2). Last evaluated 2025-03-25.

Conditions:
Hereditary cancer-predisposing syndrome. Also called: Hereditary Cancer Syndrome; Neoplastic Syndromes, Hereditary; Tumor predisposition; Hereditary neoplastic syndrome. Identifiers: Orphanet 140162, MedGen C0027672, MeSH D009386, MONDO:0015356.
Nijmegen breakage syndrome-like disorder (NBSLD). Also called: MICROCEPHALY AND SPONTANEOUS CHROMOSOME INSTABILITY WITHOUT IMMUNODEFICIENCY; NBS-LIKE DISORDER; RAD50 DEFICIENCY. Identifiers: Orphanet 240760, MedGen C2751318, MONDO:0013118, OMIM 613078.

Allele frequency attached by ClinVar (database versions not stated): TOPMed below 0.00001; ExAC 0.00001.

Submissions (2):

Ambry Genetics
Classification: Uncertain significance for Hereditary cancer-predisposing syndrome. Last evaluated: 2025-03-25. Review status: criteria provided, single submitter. Criteria: Ambry Variant Classification Scheme 2023. Collection method: clinical testing. Allele origin: germline.
Comment: The p.G818R variant (also known as c.2452G>A), located in coding exon 15 of the RAD50 gene, results from a G to A substitution at nucleotide position 2452. The glycine at codon 818 is replaced by arginine, an amino acid with dissimilar properties. This amino acid position is conserved. In addition, this alteration is predicted to be deleterious by in silico analysis. Based on the available evidence, the clinical significance of this variant remains unclear.

Revvity Omics, Revvity
Classification: Uncertain significance for Nijmegen breakage syndrome-like disorder. Last evaluated: 2022-05-16. Review status: criteria provided, single submitter. Criteria: ACMG Guidelines, 2015. Collection method: clinical testing. Allele origin: germline.

NM_005732.4(RAD50):c.2452G>A (p.Gly818Arg)

Gene: RAD50 (RAD50 double strand break repair protein; plus strand). Cytogenetic location: 5q31.1.
Variant type: single nucleotide variant.
Coding change: c.2452G>A on transcript NM_005732.4 (MANE Select); coding-DNA position 2452, G replaced by A.
Protein change: p.Gly818Arg; replaces glycine 818 with arginine.
Molecular consequence: missense variant.
Genome position (GRCh38, 1-based): chr5:132,603,974, G>A. VCF-style: chr5-132603974-G-A. GRCh37 (hg19) VCF-style: chr5-131939666-G-A.
Other names: c.2452G>A (NM_005732.3); short protein forms G818R.
Identifiers: ClinVar variation 2435355 (VCV002435355.4), dbSNP rs780431635, ClinGen allele CA3405396.